The following is an entry in ClinVar:

ClinVar aggregate classification (germline): Conflicting classifications of pathogenicity. Review status: criteria provided, conflicting classifications (1 of 4 stars). 9 submissions from 9 submitters: Uncertain significance (2); Benign (2); Likely benign (4). 1 of the submissions does not count toward it. Last evaluated 2026-01-19.

Conditions:
TTN-related disorder. Also called: TTN-related condition; TTN-related disease; TTN-related disorders.
Cardiovascular phenotype. Identifiers: MedGen CN230736.
Dilated cardiomyopathy 1G (CMD1G). Identifiers: Orphanet 154, MedGen C1858763, MONDO:0011400, OMIM 604145.
Autosomal recessive limb-girdle muscular dystrophy type 2J (LGMDR10). Also called: Limb-girdle muscular dystrophy, type 2J; MUSCULAR DYSTROPHY, LIMB-GIRDLE, AUTOSOMAL RECESSIVE 10. Identifiers: Orphanet 140922, MedGen C1837342, MONDO:0012127, OMIM 608807.

Allele frequency attached by ClinVar (database versions not stated): gnomAD exomes 0.00004 and 0.00012; ESP Exome Variant Server 0.00017; ExAC 0.00018; gnomAD 0.00021 and 0.00022; TOPMed 0.00028; 1000 Genomes Project 0.00040; 1000 Genomes Project 30x 0.00047.
gnomAD v4.1: 83 of 1,612,476 alleles (0.0051%); highest among the groups gnomAD compares: African/African-American, 0.065%; no homozygotes.

Submissions (9):

Labcorp Genetics (formerly Invitae), Labcorp
Classification: Benign for Dilated cardiomyopathy 1G; Autosomal recessive limb-girdle muscular dystrophy type 2J. Last evaluated: 2026-01-19. Review status: criteria provided, single submitter. Criteria: Invitae Variant Classification Sherloc (09022015). Collection method: clinical testing. Allele origin: germline.

Molecular Diagnostic Laboratory for Inherited Cardiovascular Disease, Montreal Heart Institute
Classification: Likely benign. Last evaluated: 2025-04-09. Review status: criteria provided, single submitter. Criteria: ACMG Guidelines, 2015. Collection method: clinical testing. Allele origin: germline. Affected: no.

Blueprint Genetics
Classification: Likely benign. Last evaluated: 2024-10-24. Review status: criteria provided, single submitter. Criteria: ACMG Guidelines, 2015. Collection method: clinical testing. Allele origin: germline.

Women's Health and Genetics/Laboratory Corporation of America, LabCorp
Classification: Likely benign. Last evaluated: 2021-05-02. Review status: criteria provided, single submitter. Criteria: LabCorp Variant Classification Summary - May 2015. Collection method: clinical testing. Allele origin: germline.

Revvity Omics, Revvity
Classification: Uncertain significance. Last evaluated: 2019-06-21. Review status: criteria provided, single submitter. Criteria: ACMG Guidelines, 2015. Collection method: clinical testing. Allele origin: germline.

Ambry Genetics
Classification: Likely benign for Cardiovascular phenotype. Last evaluated: 2015-06-02. Review status: criteria provided, single submitter. Criteria: Ambry Variant Classification Scheme 2023. Collection method: clinical testing. Allele origin: germline.

GeneDx
Classification: Benign. Last evaluated: 2015-03-03. Review status: criteria provided, single submitter. Criteria: GeneDx Variant Classification Process June 2021. Collection method: clinical testing. Allele origin: germline. Affected: yes.

Eurofins Ntd Llc (ga)
Classification: Uncertain significance. Last evaluated: 2013-07-26. Review status: criteria provided, single submitter. Criteria: EGL Classification Definitions 2015. Collection method: clinical testing. Allele origin: germline. Observed: 2 variant alleles, 2 heterozygotes.

PreventionGenetics, part of Exact Sciences
Classification: Likely benign for TTN-related condition. Last evaluated: 2024-03-28. Review status: no assertion criteria provided. Collection method: clinical testing. Allele origin: germline. Not counted in ClinVar's aggregate classification.
Comment: This variant is classified as likely benign based on ACMG/AMP sequence variant interpretation guidelines (Richards et al. 2015 PMID: 25741868, with internal and published modifications).

NM_001267550.2(TTN):c.96015C>T (p.Pro32005=)

Genes: TTN (titin; minus strand), TTN-AS1 (TTN antisense RNA 1; plus strand). Cytogenetic location: 2q31.2.
Variant type: single nucleotide variant.
Coding change: c.96015C>T on transcript NM_001267550.2 (MANE Select); coding-DNA position 96015, C replaced by T.
Protein change: p.Pro32005=; no amino-acid change (proline 32005 retained).
Molecular consequence: synonymous variant.
Genome position (GRCh38, 1-based): chr2:178,544,214, G>A on the plus strand (C>T on the coding strand, the complement: TTN is on the minus strand). VCF-style: chr2-178544214-G-A. GRCh37 (hg19) VCF-style: chr2-179408941-G-A.
Other names: c.91092C>T, p.Pro30364= (NM_001256850.1); c.68820C>T, p.Pro22940= (NM_003319.4); c.88311C>T, p.Pro29437= (NM_133378.4); c.69195C>T, p.Pro23065= (NM_133432.3); c.69396C>T, p.Pro23132= (NM_133437.4).
Identifiers: ClinVar variation 96317 (VCV000096317.29), dbSNP rs183620684, ClinGen allele CA223989.